The following is an entry in ClinVar:

ClinVar aggregate classification (germline): Uncertain significance (1 of 4 stars; one submission).

Submission:

GeneDx
Classification: Uncertain significance. Last evaluated: 2025-03-28. Review status: criteria provided, single submitter. Criteria: GeneDx Variant Classification Process June 2021. Collection method: clinical testing. Allele origin: germline. Affected: yes.
Comment: Not observed at significant frequency in large population cohorts (gnomAD); In silico analysis indicates that this missense variant does not alter protein structure/function; Has not been previously published as pathogenic or benign to our knowledge

NM_001372066.1(TFAP2A):c.341G>C (p.Arg114Pro)

Gene: TFAP2A (transcription factor AP-2 alpha; minus strand). Cytogenetic location: 6p24.3.
Variant type: single nucleotide variant.
Coding change: c.341G>C on transcript NM_001372066.1 (MANE Select); coding-DNA position 341, G replaced by C.
Protein change: p.Arg114Pro; replaces arginine 114 with proline.
Molecular consequence: missense variant.
Genome position (GRCh38, 1-based): chr6:10,410,046, C>G on the plus strand (G>C on the coding strand, the complement: TFAP2A is on the minus strand). VCF-style: chr6-10410046-C-G. GRCh37 (hg19) VCF-style: chr6-10410279-C-G.
Other names: c.317G>C, p.Arg106Pro (NM_001032280.3); c.323G>C, p.Arg108Pro (NM_001042425.3); short protein forms R106P, R108P, R114P.
Identifiers: ClinVar variation 4088086 (VCV004088086.1).
Genomic context (GRCh38, chr6:10,410,046, plus strand): 5'-TCCTCGTGCCGCCTGTAGTCCCTGCGAGGATCCAGGCCCGACAGCTGGTGAGGCAGCCCC[C>G]GGTGCGTGTGCAGGAGCCCAGACTCCTGGCTCTGCCTCTGGCCGGGCCAGCCTGGGTGCT-3'
Protein context (NP_001358995.1, residues 104-124): SQESGLLHTH[Arg114Pro]GLPHQLSGLD